The following is an entry in ClinVar:

ClinVar aggregate classification (germline): Uncertain significance. Review status: criteria provided, multiple submitters, no conflicts (2 of 4 stars). 3 submissions from 3 submitters: Uncertain significance (3). Last evaluated 2022-08-20.

Submissions (3):

Labcorp Genetics (formerly Invitae), Labcorp
Classification: Uncertain significance. Last evaluated: 2022-08-20. Review status: criteria provided, single submitter. Criteria: Invitae Variant Classification Sherloc (09022015). Collection method: clinical testing. Allele origin: germline.
Comment: This sequence change creates a premature translational stop signal (p.Leu462Lysfs*2) in the YARS2 gene. While this is not anticipated to result in nonsense mediated decay, it is expected to disrupt the last 16 amino acid(s) of the YARS2 protein. This variant is present in population databases (rs750977033, gnomAD 0.003%). This variant has not been reported in the literature in individuals affected with YARS2-related conditions. Experimental studies and prediction algorithms are not available or were not evaluated, and the functional significance of this variant is currently unknown. In summary, the available evidence is currently insufficient to determine the role of this variant in disease. Therefore, it has been classified as a Variant of Uncertain Significance.

CeGaT Center for Human Genetics Tuebingen
Classification: Uncertain significance. Last evaluated: 2022-04-01. Review status: criteria provided, single submitter. Criteria: CeGaT Center For Human Genetics Tuebingen Variant Classification Criteria Version 2. Collection method: clinical testing. Allele origin: germline. Affected: yes. Observed: 1 variant allele.
Comment: YARS2: PVS1:Moderate

Blueprint Genetics
Classification: Uncertain significance. Last evaluated: 2021-03-12. Review status: criteria provided, single submitter. Criteria: ACMG Guidelines, 2015. Collection method: clinical testing. Allele origin: germline.

NM_001040436.3(YARS2):c.1384_1387del (p.Leu462fs)

Gene: YARS2 (tyrosyl-tRNA synthetase 2; minus strand). Cytogenetic location: 12p11.21.
Variant type: Microsatellite.
Coding change: c.1384_1387del on transcript NM_001040436.3 (MANE Select); coding-DNA positions 1384 to 1387, 4 bases deleted (CTTA; older notation c.1384_1387delCTTA).
Protein change: p.Leu462fs; shifts the reading frame from leucine 462.
Molecular consequence: frameshift variant.
Genome position (GRCh38, 1-based): chr12:32,747,251-32,747,254, TAAG deleted on the plus strand (CTTA on the coding strand, the reverse complement: YARS2 is on the minus strand); deleting any 4 consecutive bases within chr12:32,747,251-32,747,258 gives the same sequence; the c. name uses the placement nearest the transcript's 3' end. VCF-style (leftmost placement, unchanged base first): chr12-32747250-TTAAG-T. GRCh37 (hg19) VCF-style: chr12-32900184-TTAAG-T.
Other names: short protein forms L462fs.
Identifiers: ClinVar variation 1694663 (VCV001694663.35), dbSNP rs750977033, ClinGen allele CA6507912.
Genomic context (GRCh38, chr12:32,747,250, plus strand): 5'-AGAAGGACTTTTCATCACAACTGAAGCCATTTTATAATGTAGAAATTTCTTTTTCCTATT[TTAAG>T]TAAGGAAAGTCCATTCTTGAGAATATGTTGTCCAACAATTAAAACACTCTCAGGATTTGT-3'